The following is an entry in ClinVar:

ClinVar aggregate classification (germline): Conflicting classifications of pathogenicity. Review status: criteria provided, conflicting classifications (1 of 4 stars). 4 submissions from 4 submitters: Uncertain significance (3); Likely benign (1). Last evaluated 2025-03-18.

Conditions:
Hereditary cancer-predisposing syndrome. Also called: Hereditary neoplastic syndrome; Hereditary Cancer Syndrome; Neoplastic Syndromes, Hereditary; Tumor predisposition. Identifiers: Orphanet 140162, MedGen C0027672, MeSH D009386, MONDO:0015356.
Tuberous sclerosis 2 (TSC2). Identifiers: Orphanet 805, MedGen C1860707, MONDO:0013199, OMIM 613254.
Lymphangiomyomatosis (LAM). Also called: Lymphangioleiomyomatosis; Lymphangioleiomyomatosis, somatic. Identifiers: Orphanet 538, MedGen C0751674, MONDO:0011705, OMIM 606690.

Allele frequency attached by ClinVar (database versions not stated): gnomAD exomes below 0.00001.
gnomAD v4.1: 2 of 1,612,916 alleles (0.00012%); highest among the groups gnomAD compares: South Asian, 0.0011%; no homozygotes.

Submissions (4):

Ambry Genetics
Classification: Uncertain significance for Hereditary cancer-predisposing syndrome. Last evaluated: 2025-03-18. Review status: criteria provided, single submitter. Criteria: Ambry Variant Classification Scheme 2023. Collection method: clinical testing. Allele origin: germline.
Comment: The c.3132-3T>C intronic variant results from a T to C substitution 3 nucleotides upstream from coding exon 27 in the TSC2 gene. This nucleotide position is not well conserved in available vertebrate species. In silico splice site analysis predicts that this alteration will not have any significant effect on splicing. Based on the available evidence, the clinical significance of this variant remains unclear.

Labcorp Genetics (formerly Invitae), Labcorp
Classification: Likely benign for Tuberous sclerosis 2. Last evaluated: 2023-07-24. Review status: criteria provided, single submitter. Criteria: Invitae Variant Classification Sherloc (09022015). Collection method: clinical testing. Allele origin: germline.

Blueprint Genetics
Classification: Uncertain significance. Last evaluated: 2020-11-25. Review status: criteria provided, single submitter. Criteria: ACMG Guidelines, 2015. Collection method: clinical testing. Allele origin: germline.

Centre for Mendelian Genomics, University Medical Centre Ljubljana
Classification: Uncertain significance for Lymphangiomyomatosis. Last evaluated: 2018-12-03. Review status: criteria provided, single submitter. Criteria: ACMG Guidelines, 2015. Collection method: clinical testing. Allele origin: unknown. Affected: yes.
Comment: This variant was classified as: Uncertain significance. The available evidence on this variant's pathogenicity is insufficient or conflicting. The following ACMG criteria were applied in classifying this variant: PM2.

NM_000548.5(TSC2):c.3132-3T>C

Gene: TSC2 (TSC complex subunit 2; plus strand). Cytogenetic location: 16p13.3.
Variant type: single nucleotide variant.
Coding change: c.3132-3T>C on transcript NM_000548.5 (MANE Select); 3 bases into the intron before coding-DNA position 3132, T replaced by C.
Molecular consequence: intron variant.
Genome position (GRCh38, 1-based): chr16:2,079,273, T>C. VCF-style: chr16-2079273-T-C. GRCh37 (hg19) VCF-style: chr16-2129274-T-C.
Other names: c.3132-3T>C (NM_001114382.3); c.3003-3T>C (NM_021055.3, NM_001370405.1, NM_001363528.2); c.3000-3T>C (NM_001370404.1, NM_001077183.3); c.2892-3T>C (NM_001318827.2); c.2400-3T>C (NM_001318831.2); c.2856-3T>C (NM_001318829.2); c.3033-3T>C (NM_001318832.2).
Identifiers: ClinVar variation 931337 (VCV000931337.8), dbSNP rs2089821106, ClinGen allele CA1139664248.